The following is an entry in ClinVar:

ClinVar aggregate classification (germline): Uncertain significance (1 of 4 stars; one submission).

Submission:

GeneDx
Classification: Uncertain significance. Last evaluated: 2024-09-24. Review status: criteria provided, single submitter. Criteria: GeneDx Variant Classification Process June 2021. Collection method: clinical testing. Allele origin: germline. Affected: yes.
Comment: Not observed at significant frequency in large population cohorts (gnomAD); In silico analysis indicates that this missense variant does not alter protein structure/function; Has not been previously published as pathogenic or benign to our knowledge

NM_032217.5(ANKRD17):c.5890T>C (p.Ser1964Pro)

Gene: ANKRD17 (ankyrin repeat domain 17; minus strand). Cytogenetic location: 4q13.3.
Variant type: single nucleotide variant.
Coding change: c.5890T>C on transcript NM_032217.5 (MANE Select); coding-DNA position 5890, T replaced by C.
Protein change: p.Ser1964Pro; replaces serine 1964 with proline.
Molecular consequence: missense variant.
Genome position (GRCh38, 1-based): chr4:73,091,738, A>G on the plus strand (T>C on the coding strand, the complement: ANKRD17 is on the minus strand). VCF-style: chr4-73091738-A-G. GRCh37 (hg19) VCF-style: chr4-73957455-A-G.
Other names: c.5551T>C, p.Ser1851Pro (NM_001286771.3); c.5887T>C, p.Ser1963Pro (NM_015574.2); c.5137T>C, p.Ser1713Pro (NM_198889.3); short protein forms S1713P, S1851P, S1963P, S1964P.
Identifiers: ClinVar variation 3774620 (VCV003774620.1).
Genomic context (GRCh38, chr4:73,091,738, plus strand): 5'-ATGTACCAGGCACCGTTGAAGCTGATGAACTGGTTGTAGTTGTTGGGCTTGAAGTTAAAG[A>G]ACCTGCTGAATTCACCTGAGAACCACTGCTATTCTGATTGCTATGGCGAGGCACCATGTG-3'
Protein context (NP_115593.3, residues 1954-1974): SSGSQVNSAG[Ser1964Pro]LTSSPTTTTS